The following is an entry in ClinVar:

ClinVar aggregate classification (germline): Uncertain significance. Review status: criteria provided, multiple submitters, no conflicts (2 of 4 stars). 3 submissions from 3 submitters: Uncertain significance (3). Last evaluated 2025-02-23.

Conditions:
Hereditary cancer-predisposing syndrome. Also called: Hereditary Cancer Syndrome; Neoplastic Syndromes, Hereditary; Hereditary neoplastic syndrome; Tumor predisposition. Identifiers: Orphanet 140162, MedGen C0027672, MeSH D009386, MONDO:0015356.
Cardiovascular phenotype. Identifiers: MedGen CN230736.
Neurofibromatosis, type 1 (NF1). Also called: Peripheral type neurofibromatosis; Neurofibromatosis, type I; NEUROFIBROMATOSIS, TYPE I, SOMATIC; VON RECKLINGHAUSEN DISEASE. Identifiers: Orphanet 636, MedGen C0027831, MONDO:0018975, OMIM 162200. Disease mechanism: loss of function.

Allele frequency attached by ClinVar (database versions not stated): gnomAD exomes below 0.00001; gnomAD 0.00001; TOPMed 0.00001.
gnomAD v4.1: 4 of 1,613,726 alleles (0.00025%); highest among the groups gnomAD compares: Non-Finnish European, 0.00034%; no homozygotes.

Submissions (3):

Ambry Genetics
Classification: Uncertain significance for Cardiovascular phenotype; Hereditary cancer-predisposing syndrome. Last evaluated: 2025-02-23. Review status: criteria provided, single submitter. Criteria: Ambry Variant Classification Scheme 2023. Collection method: clinical testing. Allele origin: germline.
Comment: The p.R711H variant (also known as c.2132G>A), located in coding exon 18 of the NF1 gene, results from a G to A substitution at nucleotide position 2132. The arginine at codon 711 is replaced by histidine, an amino acid with highly similar properties. This amino acid position is well conserved in available vertebrate species. In addition, this alteration is predicted to be deleterious by in silico analysis. Since supporting evidence is limited at this time, the clinical significance of this alteration remains unclear.

Labcorp Genetics (formerly Invitae), Labcorp
Classification: Uncertain significance for Neurofibromatosis, type 1. Last evaluated: 2023-11-24. Review status: criteria provided, single submitter. Criteria: Invitae Variant Classification Sherloc (09022015). Collection method: clinical testing. Allele origin: germline.
Comment: This sequence change replaces arginine, which is basic and polar, with histidine, which is basic and polar, at codon 711 of the NF1 protein (p.Arg711His). This variant is not present in population databases (gnomAD no frequency). This variant has not been reported in the literature in individuals affected with NF1-related conditions. ClinVar contains an entry for this variant (Variation ID: 820780). Advanced modeling of protein sequence and biophysical properties (such as structural, functional, and spatial information, amino acid conservation, physicochemical variation, residue mobility, and thermodynamic stability) has been performed at Invitae for this missense variant, however the output from this modeling did not meet the statistical confidence thresholds required to predict the impact of this variant on NF1 protein function. In summary, the available evidence is currently insufficient to determine the role of this variant in disease. Therefore, it has been classified as a Variant of Uncertain Significance.

Genome-Nilou Lab
Classification: Uncertain significance for Neurofibromatosis, type 1. Last evaluated: 2022-03-15. Review status: criteria provided, single submitter. Criteria: ACMG Guidelines, 2015. Collection method: clinical testing. Allele origin: germline. Affected: no.

NM_001042492.3(NF1):c.2132G>A (p.Arg711His)

Gene: NF1 (neurofibromin 1; plus strand). Cytogenetic location: 17q11.2.
Variant type: single nucleotide variant.
Coding change: c.2132G>A on transcript NM_001042492.3 (MANE Select); coding-DNA position 2132, G replaced by A.
Protein change: p.Arg711His; replaces arginine 711 with histidine.
Molecular consequence: missense variant.
Genome position (GRCh38, 1-based): chr17:31,226,565, G>A. VCF-style: chr17-31226565-G-A. GRCh37 (hg19) VCF-style: chr17-29553583-G-A.
Other names: c.2132G>A, p.Arg711His (NM_000267.4); short protein forms R711H.
Identifiers: ClinVar variation 820780 (VCV000820780.13), dbSNP rs1479669686, ClinGen allele CA398982326.